The following is an entry in ClinVar:

NM_001429.4(EP300):c.3729-1G>T

Gene: EP300 (EP300 lysine acetyltransferase; plus strand). Cytogenetic location: 22q13.2.
Variant type: single nucleotide variant.
Coding change: c.3729-1G>T on transcript NM_001429.4 (MANE Select); the canonical splice acceptor site of the intron before coding-DNA position 3729, G replaced by T.
Molecular consequence: splice acceptor variant.
Genome position (GRCh38, 1-based): chr22:41,164,052, G>T. VCF-style: chr22-41164052-G-T. GRCh37 (hg19) VCF-style: chr22-41560056-G-T.
Other names: c.3651-1G>T (NM_001362843.2).
Identifiers: ClinVar variation 1067143 (VCV001067143.11), dbSNP rs2145756375, ClinGen allele CA411697727.

ClinVar aggregate classification (germline): Likely pathogenic (1 of 4 stars; one submission).

Conditions:
Rubinstein-Taybi syndrome due to EP300 haploinsufficiency. Also called: EP300-Related Rubinstein-Taybi Syndrome; RUBINSTEIN-TAYBI SYNDROME 2. Identifiers: Orphanet 353284, Orphanet 783, MedGen C3150941, MONDO:0013364, OMIM 613684.

Submission:

Labcorp Genetics (formerly Invitae), Labcorp
Classification: Likely pathogenic for Rubinstein-Taybi syndrome due to EP300 haploinsufficiency. Last evaluated: 2020-04-28. Review status: criteria provided, single submitter. Criteria: Invitae Variant Classification Sherloc (09022015). Collection method: clinical testing. Allele origin: germline.
Comment: This variant is not present in population databases (ExAC no frequency). This sequence change affects an acceptor splice site in intron 21 of the EP300 gene. It is expected to disrupt RNA splicing and likely results in an absent or disrupted protein product. This variant has not been reported in the literature in individuals with EP300-related conditions. In summary, the currently available evidence indicates that the variant is pathogenic, but additional data are needed to prove that conclusively. Therefore, this variant has been classified as Likely Pathogenic. Donor and acceptor splice site variants typically lead to a loss of protein function (PMID: 16199547), and loss-of-function variants in EP300 are known to be pathogenic (PMID: 15706485, 24476420). Algorithms developed to predict the effect of sequence changes on RNA splicing suggest that this variant may disrupt the consensus splice site, but this prediction has not been confirmed by published transcriptional studies.

Literature cited by the submitters: PubMed 16199547; PubMed 15706485; PubMed 24476420.